The following is an entry in ClinVar:

NM_002474.3(MYH11):c.2320G>A (p.Val774Ile)

Gene: MYH11 (myosin heavy chain 11; minus strand). Cytogenetic location: 16p13.11.
Variant type: single nucleotide variant.
Coding change: c.2320G>A on transcript NM_002474.3 (MANE Select); coding-DNA position 2320, G replaced by A.
Protein change: p.Val774Ile; replaces valine 774 with isoleucine.
Molecular consequence: missense variant.
Genome position (GRCh38, 1-based): chr16:15,747,661, C>T on the plus strand (G>A on the coding strand, the complement: MYH11 is on the minus strand). VCF-style: chr16-15747661-C-T. GRCh37 (hg19) VCF-style: chr16-15841518-C-T.
Other names: c.2341G>A, p.Val781Ile (NM_001040113.2, NM_001040114.2); c.2320G>A, p.Val774Ile (NM_022844.3); short protein forms V774I, V781I.
Identifiers: ClinVar variation 519937 (VCV000519937.21), dbSNP rs147897132, ClinGen allele CA7922314.

ClinVar aggregate classification (germline): Uncertain significance. Review status: criteria provided, multiple submitters, no conflicts (2 of 4 stars). 6 submissions from 6 submitters: Uncertain significance (6). Last evaluated 2026-07-31.

Conditions:
Aortic aneurysm, familial thoracic 4 (AAT4). Also called: AORTIC ANEURYSM/AORTIC DISSECTION AND PATENT DUCTUS ARTERIOSUS. Identifiers: MedGen C1851504, MONDO:0007568, OMIM 132900.
MYH11-related disorder. Also called: MYH11-related condition.
Familial thoracic aortic aneurysm and aortic dissection (TAAD). Also called: Thoracic aortic aneurysms and dissections. Identifiers: Orphanet 91387, MedGen C4707243, MONDO:0019625.

Allele frequency attached by ClinVar (database versions not stated): gnomAD exomes 0.00002; ESP Exome Variant Server 0.00008; TOPMed 0.00008.
gnomAD v4.1: 29 of 1,613,966 alleles (0.0018%); highest among the groups gnomAD compares: East Asian, 0.013%; no homozygotes.

Submissions (6):

PreventionGenetics, part of Exact Sciences
Classification: Uncertain significance for MYH11-related condition. Last evaluated: 2026-07-31. Review status: criteria provided, single submitter. Criteria: ACMG Guidelines, 2015. Collection method: clinical testing. Allele origin: germline.
Comment: The MYH11 c.2341G>A variant is predicted to result in the amino acid substitution p.Val781Ile. To our knowledge, this variant has not been reported in the literature. This variant is reported in 0.0054% of alleles in individuals of East Asian descent in gnomAD. At this time, the clinical significance of this variant is uncertain due to the absence of conclusive functional and genetic evidence.

Labcorp Genetics (formerly Invitae), Labcorp
Classification: Uncertain significance for Aortic aneurysm, familial thoracic 4. Last evaluated: 2025-06-04. Review status: criteria provided, single submitter. Criteria: Invitae Variant Classification Sherloc (09022015). Collection method: clinical testing. Allele origin: germline.
Comment: This sequence change replaces valine, which is neutral and non-polar, with isoleucine, which is neutral and non-polar, at codon 781 of the MYH11 protein (p.Val781Ile). This variant is present in population databases (rs147897132, gnomAD 0.006%). This variant has not been reported in the literature in individuals affected with MYH11-related conditions. ClinVar contains an entry for this variant (Variation ID: 519937). Invitae Evidence Modeling of protein sequence and biophysical properties (such as structural, functional, and spatial information, amino acid conservation, physicochemical variation, residue mobility, and thermodynamic stability) indicates that this missense variant is not expected to disrupt MYH11 protein function with a negative predictive value of 95%. In summary, the available evidence is currently insufficient to determine the role of this variant in disease. Therefore, it has been classified as a Variant of Uncertain Significance.

Ambry Genetics
Classification: Uncertain significance for Familial thoracic aortic aneurysm and aortic dissection. Last evaluated: 2025-01-09. Review status: criteria provided, single submitter. Criteria: Ambry Variant Classification Scheme 2023. Collection method: clinical testing. Allele origin: germline.

All of Us Research Program, National Institutes of Health
Classification: Uncertain significance for Familial thoracic aortic aneurysm and aortic dissection. Last evaluated: 2024-09-23. Review status: criteria provided, single submitter. Criteria: ACMG Guidelines, 2015. Collection method: clinical testing. Allele origin: germline. Inheritance: Autosomal dominant inheritance. Observed: 3 variant alleles, 3 heterozygotes.
Comment: This missense variant replaces valine with isoleucine at codon 781 of the MYH11 protein. Computational prediction suggests that this variant may not impact protein structure and function (internally defined REVEL score threshold <= 0.5, PMID: 27666373). To our knowledge, functional studies have not been reported for this variant. This variant has not been reported in individuals affected with cardiovascular disorders in the literature. This variant has been identified in 7/251496 chromosomes in the general population by the Genome Aggregation Database (gnomAD). The available evidence is insufficient to determine the role of this variant in disease conclusively. Therefore, this variant is classified as a Variant of Uncertain Significance.

This study involves interpretation of variants in research participants for the purpose of population health screening. Participant phenotype was not available at the time of variant classification. Additional details can be found in publication PMID: 35346344, PMCID: PMC8962531

Color Diagnostics, LLC DBA Color Health
Classification: Uncertain significance for Familial thoracic aortic aneurysm and aortic dissection. Last evaluated: 2024-05-20. Review status: criteria provided, single submitter. Criteria: ACMG Guidelines, 2015. Collection method: clinical testing. Allele origin: germline.
Comment: This missense variant replaces valine with isoleucine at codon 781 of the MYH11 protein. Computational prediction tools indicate that this variant has a neutral impact on protein structure and function. To our knowledge, functional studies have not been reported for this variant. This variant has not been reported in individuals affected with MYH11-related disorders in the literature. This variant has been identified in 7/251496 chromosomes in the general population by the Genome Aggregation Database (gnomAD). The available evidence is insufficient to determine the role of this variant in disease conclusively. Therefore, this variant is classified as a Variant of Uncertain Significance.

GeneDx
Classification: Uncertain significance. Last evaluated: 2023-11-07. Review status: criteria provided, single submitter. Criteria: GeneDx Variant Classification Process June 2021. Collection method: clinical testing. Allele origin: germline. Affected: yes.
Comment: Has not been previously published as pathogenic or benign to our knowledge; In silico analysis supports that this missense variant does not alter protein structure/function